The following is an entry in ClinVar:

NM_000159.4(GCDH):c.880C>T (p.Arg294Trp)

Gene: GCDH (glutaryl-CoA dehydrogenase; plus strand). Cytogenetic location: 19p13.13.
Variant type: single nucleotide variant.
Coding change: c.880C>T on transcript NM_000159.4 (MANE Select); coding-DNA position 880, C replaced by T.
Protein change: p.Arg294Trp; replaces arginine 294 with tryptophan.
Molecular consequence: missense variant. On other transcripts: non-coding transcript variant (2).
Genome position (GRCh38, 1-based): chr19:12,896,937, C>T. VCF-style: chr19-12896937-C-T. GRCh37 (hg19) VCF-style: chr19-13007751-C-T.
Other names: c.880C>T, p.Arg294Trp (NM_013976.5); short protein forms R294W.
Identifiers: ClinVar variation 860646 (VCV000860646.19), dbSNP rs1864390545, ClinGen allele CA404319361.
Genomic context (GRCh38, chr19:12,896,937, plus strand): 5'-GGGTGGGCCTGAGGCGCCATCTCAACCCTACAGGGTCCCTTCGGCTGCCTGAACAACGCC[C>T]GGTACGGCATCGCGTGGGGCGTGCTTGGAGCTTCGGAGTTCTGCTTGCACACAGCCCGGC-3'
Protein context (NP_000150.1, residues 284-304): GGPFGCLNNA[Arg294Trp]YGIAWGVLGA

ClinVar aggregate classification (germline): Pathogenic/Likely pathogenic. Review status: criteria provided, multiple submitters, no conflicts (2 of 4 stars). 5 submissions from 5 submitters: Pathogenic (4); Likely pathogenic (1). Last evaluated 2026-02-01.

Conditions:
Glutaric aciduria, type 1. Also called: Glutaric acidemia type I; Glutaryl-CoA dehydrogenase deficiency; GA I; Glutaricaciduria, type I; Glutaricacidemia Type 1; Glutaric Acidemia Type 1. Identifiers: Orphanet 25, MedGen C0268595, MONDO:0009281, OMIM 231670.

Allele frequency attached by ClinVar (database versions not stated): gnomAD exomes below 0.00001; gnomAD 0.00001.
gnomAD v4.1: 4 of 1,613,182 alleles (0.00025%); highest among the groups gnomAD compares: African/African-American, 0.0013%; no homozygotes.

Submissions (5):

Labcorp Genetics (formerly Invitae), Labcorp
Classification: Pathogenic for Glutaric aciduria, type 1. Last evaluated: 2026-02-01. Review status: criteria provided, single submitter. Criteria: Invitae Variant Classification Sherloc (09022015). Collection method: clinical testing. Allele origin: germline.
Comment: This sequence change replaces arginine, which is basic and polar, with tryptophan, which is neutral and slightly polar, at codon 294 of the GCDH protein (p.Arg294Trp). This variant is not present in population databases (gnomAD no frequency). This missense change has been observed in individual(s) with glutaric acidemia type 1 (PMID: 9600243, 15505393; internal data). ClinVar contains an entry for this variant (Variation ID: 860646). Invitae Evidence Modeling of protein sequence and biophysical properties (such as structural, functional, and spatial information, amino acid conservation, physicochemical variation, residue mobility, and thermodynamic stability) indicates that this missense variant is expected to disrupt GCDH protein function with a positive predictive value of 80%. This variant disrupts the p.Arg294 amino acid residue in GCDH. Other variant(s) that disrupt this residue have been determined to be pathogenic (PMID: 15505393, 29665094). This suggests that this residue is clinically significant, and that variants that disrupt this residue are likely to be disease-causing. For these reasons, this variant has been classified as Pathogenic.

Natera, Inc.
Classification: Likely pathogenic for Glutaric acidemia type 1. Last evaluated: 2025-12-30. Review status: criteria provided, single submitter. Criteria: Natera Variant Classification Schema (03/2026). Collection method: clinical testing. Allele origin: germline.
Comment: The c.880C>T variant in GCDH is a missense variant predicted to cause substitution of arginine to tryptophan at amino acid 294. This variant is rare in the general population with a frequency below the threshold expected for the associated phenotype(s). This variant has been observed in one or more individuals affected with the associated recessive disease, as either homozygous or compound heterozygous with a second variant (PMID: 35367405, 9600243, 31788423). Functional studies show that this variant may disrupt protein function (PMID: 9600243). A different variant at the same position has been determined to be Pathogenic or Likely Pathogenic. Computational prediction algorithms indicate this variant is likely to affect gene or protein function. Given the available evidence, this variant is classified as Likely Pathogenic.

CeGaT Center for Human Genetics Tuebingen
Classification: Pathogenic. Last evaluated: 2025-09-01. Review status: criteria provided, single submitter. Criteria: CeGaT Center For Human Genetics Tuebingen Variant Classification Criteria Version 2. Collection method: clinical testing. Allele origin: germline. Affected: yes. Observed: 3 variant alleles.
Comment: GCDH: PM3:Strong, PM1, PM2, PM5

Women's Health and Genetics/Laboratory Corporation of America, LabCorp
Classification: Pathogenic for Glutaric aciduria, type 1. Last evaluated: 2024-07-16. Review status: criteria provided, single submitter. Criteria: LabCorp Variant Classification Summary - May 2015. Collection method: clinical testing. Allele origin: germline.
Comment: Variant summary: GCDH c.880C>T (p.Arg294Trp) results in a non-conservative amino acid change located in the Acyl-CoA dehydrogenase/oxidase, C-terminal (IPR009075) of the encoded protein sequence. Five of five in-silico tools predict a damaging effect of the variant on protein function. The variant was absent in 250556 control chromosomes. c.880C>T has been reported in the literature in the homozygous or compound heterozygous state in multiple individuals affected with Glutaric Acidemia Type 1 (example, Christensen_2004, Schwartz_1998, Campos-Garcia_2019), including at least 1 individual carrying a pathogenic variant in trans. These data indicate that the variant may be associated with disease. A different variant affecting the same codon has been classified as pathogenic by our lab (c.881G>A, p.Arg294Gln), supporting the critical relevance of codon 294 to GCDH protein function. At least one publication reports experimental evidence evaluating an impact on protein function. Enzyme activity in homozygous patient fibroblasts was undetectable (example, Christensen_2004). The following publications have been ascertained in the context of this evaluation (PMID: 31788423, 15505393, 9600243). ClinVar contains an entry for this variant (Variation ID: 860646). Based on the evidence outlined above, the variant was classified as pathogenic.

Baylor Genetics
Classification: Pathogenic for Glutaric aciduria, type 1. Last evaluated: 2024-01-20. Review status: criteria provided, single submitter. Criteria: ACMG Guidelines, 2015. Collection method: clinical testing. Allele origin: unknown.

Literature cited by the submitters: PubMed 9600243 (cited by 3 submitters); PubMed 15505393 (cited by Labcorp Genetics (formerly Invitae), Labcorp and Women's Health and Genetics/Laboratory Corporation of America, LabCorp); PubMed 29665094 (cited by Labcorp Genetics (formerly Invitae), Labcorp); PubMed 35367405 (cited by Natera, Inc.); PubMed 31788423 (cited by Natera, Inc. and Women's Health and Genetics/Laboratory Corporation of America, LabCorp).